The following is an entry in ClinVar:

ClinVar aggregate classification (germline): Likely pathogenic. Review status: criteria provided, multiple submitters, no conflicts (2 of 4 stars). 2 submissions from 2 submitters: Likely pathogenic (2). Last evaluated 2023-07-10.

Conditions:
Cutis laxa, autosomal dominant 1 (ADCL1). Also called: ELN-Related Cutis Laxa. Identifiers: Orphanet 90348, MedGen C3276539, MONDO:0007411, OMIM 123700. Disease mechanism: Dominant Negative.
Supravalvar aortic stenosis (SVAS). Also called: Supravalvar aortic stenosis, Eisenberg type. Identifiers: Orphanet 3193, MedGen C0003499, MONDO:0008504, OMIM 185500, HP:0004381.

Submissions (2):

Laboratory of Medical Genetics, National & Kapodistrian University of Athens
Classification: Likely pathogenic for Supravalvar aortic stenosis. Last evaluated: 2023-07-10. Review status: criteria provided, single submitter. Criteria: ACMG Guidelines, 2015. Collection method: clinical testing. Allele origin: germline. Affected: yes.
Comment: PVS1, PM2, PP5

Molecular Genetics, Royal Melbourne Hospital
Classification: Likely pathogenic for Cutis laxa, autosomal dominant 1. Last evaluated: 2022-04-22. Review status: criteria provided, single submitter. Criteria: ACMG Guidelines, 2015. Collection method: clinical testing. Allele origin: germline. Affected: yes.
Comment: This sequence change is a deletion of 1 bp in exon 33 (of 33) of ELN that is predicted to alter the C-terminal amino acid sequence with read-through into the 3'UTR, extending the protein by 25 amino acids, p.(Ala718Leufs*33). It is not expected to result in nonsense-mediated decay. Multiple frameshift variants with a similar predicted effect have been identified in cutis laxa cases (with stable transcript expression demonstrated), and in vitro/in vivo models result in impaired elastic fibre formation and reduced elastin quality (PMID: 20600892, 21309044, SCV000236551.1). The variant is absent in a large population cohort (gnomAD v2.1), and has not been reported in the relevant medical literature or databases. Based on the classification scheme RMH ACMG Guidelines v1.2.1, this variant is classified as LIKELY PATHOGENIC. Following criteria are met: PVS1_Strong, PM2.

Literature cited by the submitters: PubMed 20600892 (cited by Molecular Genetics, Royal Melbourne Hospital); PubMed 21309044 (cited by Molecular Genetics, Royal Melbourne Hospital).

NM_000501.4(ELN):c.2151del (p.Ala718fs)

Gene: ELN (elastin; plus strand). Cytogenetic location: 7q11.23.
Variant type: Deletion.
Coding change: c.2151del on transcript NM_000501.4 (MANE Select); coding-DNA position 2151, one base deleted (A; older notation c.2151delA).
Protein change: p.Ala718fs; shifts the reading frame from alanine 718.
Molecular consequence: frameshift variant.
Genome position (GRCh38, 1-based): chr7:74,068,676, A deleted; the last of 3 consecutive A bases (chr7:74,068,674-74,068,676); deleting any one gives the same sequence. VCF-style (leftmost placement, unchanged base first): chr7-74068673-GA-G. GRCh37 (hg19) VCF-style: chr7-73483003-GA-G.
Other names: c.2151delA (NM_000501.4); c.2169del, p.Ala724fs (NM_001278915.2); c.1953del, p.Ala652fs (NM_001278916.2); c.2121del, p.Ala708fs (NM_001278917.2); c.1830del, p.Ala611fs (NM_001278918.2); c.2337del, p.Ala780fs (NM_001278939.2); c.2010del, p.Ala671fs (NM_001081752.3); c.2055del, p.Ala686fs (NM_001081753.3); and 5 more; short protein forms A611fs, A637fs, A652fs, A671fs, A686fs, A694fs, A699fs, A700fs.
Identifiers: ClinVar variation 1678614 (VCV001678614.3), dbSNP rs2132828209, ClinGen allele CA916084412.